The following is an entry in ClinVar:

ClinVar aggregate classification (germline): Uncertain significance (1 of 4 stars; one submission).

Conditions:
Xeroderma pigmentosum, group F (XPF). Also called: ERCC4-Related Xeroderma Pigmentosum; XERODERMA PIGMENTOSUM, COMPLEMENTATION GROUP F; XERODERMA PIGMENTOSUM, TYPE F; Xeroderma pigmentosum, type 6; XERODERMA PIGMENTOSUM VI; XP, GROUP F. Identifiers: MedGen C0268140, MONDO:0010215, OMIM 278760.
Cockayne syndrome. Identifiers: Orphanet 191, MedGen C0009207, MONDO:0016006.
Fanconi anemia complementation group Q. Identifiers: Orphanet 84, MedGen C3808988, MONDO:0014108, OMIM 615272.

Submission:

Labcorp Genetics (formerly Invitae), Labcorp
Classification: Uncertain significance for Fanconi anemia complementation group Q; Xeroderma pigmentosum, group F; Cockayne syndrome. Last evaluated: 2025-06-22. Review status: criteria provided, single submitter. Criteria: Invitae Variant Classification Sherloc (09022015). Collection method: clinical testing. Allele origin: germline.
Comment: This sequence change replaces histidine, which is basic and polar, with glutamine, which is neutral and polar, at codon 207 of the ERCC4 protein (p.His207Gln). This variant is present in population databases (rs766656010, gnomAD 0.003%). This variant has not been reported in the literature in individuals affected with ERCC4-related conditions. Invitae Evidence Modeling of protein sequence and biophysical properties (such as structural, functional, and spatial information, amino acid conservation, physicochemical variation, residue mobility, and thermodynamic stability) indicates that this missense variant is expected to disrupt ERCC4 protein function with a positive predictive value of 80%. In summary, the available evidence is currently insufficient to determine the role of this variant in disease. Therefore, it has been classified as a Variant of Uncertain Significance.

NM_005236.3(ERCC4):c.621C>G (p.His207Gln)

Gene: ERCC4 (ERCC excision repair 4, endonuclease catalytic subunit; plus strand). Cytogenetic location: 16p13.12.
Variant type: single nucleotide variant.
Coding change: c.621C>G on transcript NM_005236.3 (MANE Select); coding-DNA position 621, C replaced by G.
Protein change: p.His207Gln; replaces histidine 207 with glutamine.
Molecular consequence: missense variant.
Genome position (GRCh38, 1-based): chr16:13,928,064, C>G. VCF-style: chr16-13928064-C-G. GRCh37 (hg19) VCF-style: chr16-14021921-C-G.
Other names: short protein forms H207Q.
Identifiers: ClinVar variation 4783223 (VCV004783223.1).